The following is an entry in ClinVar:

NM_000066.4(C8B):c.666+1G>C

Gene: C8B (complement C8 beta chain; minus strand). Cytogenetic location: 1p32.2.
Variant type: single nucleotide variant.
Coding change: c.666+1G>C on transcript NM_000066.4 (MANE Select); the canonical splice donor site of the intron after coding-DNA position 666, G replaced by C.
Molecular consequence: splice donor variant.
Genome position (GRCh38, 1-based): chr1:56,952,047, C>G on the plus strand (G>C on the coding strand, the complement: C8B is on the minus strand). VCF-style: chr1-56952047-C-G. GRCh37 (hg19) VCF-style: chr1-57417720-C-G.
Other names: c.480+1G>C (NM_001278544.2); c.510+1G>C (NM_001278543.2).
Identifiers: ClinVar variation 5018948 (VCV005018948.1).

ClinVar aggregate classification (germline): Likely pathogenic (1 of 4 stars; one submission).

Conditions:
Type II complement component 8 deficiency. Also called: COMPLEMENT C8 DEFICIENCY, TYPE II; C8 BETA DEFICIENCY; C8B DEFICIENCY; COMPLEMENT COMPONENT 8B DEFICIENCY. Identifiers: MedGen C3151080, MONDO:0013421, OMIM 613789.

Submission:

Juno Genomics, Hangzhou Juno Genomics, Inc
Classification: Likely pathogenic for Type II complement component 8 deficiency. Review status: criteria provided, single submitter. Criteria: ACMG Guidelines, 2015. Collection method: clinical testing. Allele origin: germline. Affected: yes.
Comment: Absent from controls (or at extremely low frequency if recessive) in Genome Aggregation Database.;Null variant in a gene where loss of function (LOF) is a known mechanism of disease.